The following is an entry in ClinVar:

ClinVar aggregate classification (germline): Pathogenic/Likely pathogenic. Review status: criteria provided, multiple submitters, no conflicts (2 of 4 stars). 5 submissions from 5 submitters: Pathogenic (2); Likely pathogenic (2). 1 of the submissions does not count toward it. Last evaluated 2025-01-24.

Conditions:
Congenital dyserythropoietic anemia, type II (CDAN2). Also called: DYSERYTHROPOIETIC ANEMIA, HEMPAS TYPE. Identifiers: Orphanet 98873, MedGen C1306589, MONDO:0009134, OMIM 224100.
Cowden syndrome 7 (CWS7). Identifiers: Orphanet 201, MedGen C4225179, MONDO:0014802, OMIM 616858.

Allele frequency attached by ClinVar (database versions not stated): TOPMed 0.00001; gnomAD exomes 0.00002; ExAC 0.00001; gnomAD 0.00001.
gnomAD v4.1: 25 of 1,614,004 alleles (0.0015%); highest among the groups gnomAD compares: East Asian, 0.016%; no homozygotes.

Submissions (5):

Women's Health and Genetics/Laboratory Corporation of America, LabCorp
Classification: Pathogenic for Congenital dyserythropoietic anemia, type II. Last evaluated: 2025-01-24. Review status: criteria provided, single submitter. Criteria: LabCorp Variant Classification Summary - May 2015. Collection method: clinical testing. Allele origin: germline.
Comment: Variant summary: SEC23B c.1571C>T (p.Ala524Val) results in a non-conservative amino acid change located in the Sec23/Sec24, helical domain (IPR006900) of the encoded protein sequence. Five of five in-silico tools predict a damaging effect of the variant on protein function. The variant allele was found at a frequency of 2e-05 in 251468 control chromosomes (gnomAD). c.1571C>T has been reported in the literature in multiple individuals affected with Congenital dyserythropoietic anemia, type II and this variant co-segregated with the disease (Schwarz_2009, Iolascon_2009, Zhang_2019, Feng_2021). These data indicate that the variant is very likely to be associated with disease. To our knowledge, no experimental evidence demonstrating an impact on protein function has been reported. The following publications have been ascertained in the context of this evaluation (PMID: 34365611, 20015893, 21850656, 19561605, 30747246). ClinVar contains an entry for this variant (Variation ID: 95384). Based on the evidence outlined above, the variant was classified as pathogenic.

Labcorp Genetics (formerly Invitae), Labcorp
Classification: Likely pathogenic for Congenital dyserythropoietic anemia, type II; Cowden syndrome 7. Last evaluated: 2024-01-16. Review status: criteria provided, single submitter. Criteria: Invitae Variant Classification Sherloc (09022015). Collection method: clinical testing. Allele origin: germline.
Comment: This sequence change replaces alanine, which is neutral and non-polar, with valine, which is neutral and non-polar, at codon 524 of the SEC23B protein (p.Ala524Val). This variant is present in population databases (rs398124225, gnomAD 0.02%). This missense change has been observed in individuals with congenital dyserythropoietic anemia type II (PMID: 19561605, 20015893, 30747246). ClinVar contains an entry for this variant (Variation ID: 95384). Advanced modeling of protein sequence and biophysical properties (such as structural, functional, and spatial information, amino acid conservation, physicochemical variation, residue mobility, and thermodynamic stability) has been performed at Invitae for this missense variant, however the output from this modeling did not meet the statistical confidence thresholds required to predict the impact of this variant on SEC23B protein function. In summary, the currently available evidence indicates that the variant is pathogenic, but additional data are needed to prove that conclusively. Therefore, this variant has been classified as Likely Pathogenic.

Eurofins Ntd Llc (ga)
Classification: Pathogenic. Last evaluated: 2013-11-18. Review status: criteria provided, single submitter. Criteria: EGL Classification Definitions 2015. Collection method: clinical testing. Allele origin: germline. Observed: 2 variant alleles, 2 heterozygotes.

Juno Genomics, Hangzhou Juno Genomics, Inc
Classification: Likely pathogenic for Congenital dyserythropoietic anemia, type II. Review status: criteria provided, single submitter. Criteria: ACMG Guidelines, 2015. Collection method: clinical testing. Allele origin: germline. Affected: yes.
Comment: Absent from controls (or at extremely low frequency if recessive) in Genome Aggregation Database, Exome Sequencing Project, 1000 Genomes Project, or Exome Aggregation Consortium.;Multiple lines of computational evidence support a deleterious effect on the gene or gene product (conservation, evolutionary, splicing impact, etc).;For recessive disorders, detected in trans with a pathogenic variant.

Institute of Human Genetics, Heidelberg University
Classification: Likely pathogenic for Congenital dyserythropoietic anemia, type II. Last evaluated: 2021-10-22. Review status: no assertion criteria provided. Collection method: clinical testing. Allele origin: germline. Affected: yes. Not counted in ClinVar's aggregate classification.

Literature cited by the submitters: PubMed 20015893 (cited by Women's Health and Genetics/Laboratory Corporation of America, LabCorp and Labcorp Genetics (formerly Invitae), Labcorp); PubMed 21850656 (cited by Women's Health and Genetics/Laboratory Corporation of America, LabCorp); PubMed 19561605 (cited by Women's Health and Genetics/Laboratory Corporation of America, LabCorp and Labcorp Genetics (formerly Invitae), Labcorp); PubMed 30747246 (cited by Women's Health and Genetics/Laboratory Corporation of America, LabCorp and Labcorp Genetics (formerly Invitae), Labcorp); PubMed 34365611 (cited by Women's Health and Genetics/Laboratory Corporation of America, LabCorp).

NM_006363.6(SEC23B):c.1571C>T (p.Ala524Val)

Gene: SEC23B (SEC23 homolog B, COPII component; plus strand). Cytogenetic location: 20p11.23.
Variant type: single nucleotide variant.
Coding change: c.1571C>T on transcript NM_006363.6 (MANE Select); coding-DNA position 1571, C replaced by T.
Protein change: p.Ala524Val; replaces alanine 524 with valine.
Molecular consequence: missense variant.
Genome position (GRCh38, 1-based): chr20:18,543,078, C>T. VCF-style: chr20-18543078-C-T. GRCh37 (hg19) VCF-style: chr20-18523722-C-T.
Other names: c.1571C>T, p.Ala524Val (NM_001172745.3, NM_032985.6, NM_032986.5); c.1517C>T, p.Ala506Val (NM_001172746.3); short protein forms A524V, A506V.
Identifiers: ClinVar variation 95384 (VCV000095384.15), dbSNP rs398124225, ClinGen allele CA222937.
Genomic context (GRCh38, chr20:18,543,078, plus strand): 5'-GTTGGGCAGATGTACAGAGTCAGCTCAGGCACATAGAAGCAGCATTTGACCAGGAGGCTG[C>T]GGCAGTGTTGATGGCACGGCTTGGGGTGTTCCGAGCGGAGTCAGAGGAGGGGCCCGATGT-3'
Protein context (NP_006354.2, residues 514-534): HIEAAFDQEA[Ala524Val]AVLMARLGVF